The following is an entry in ClinVar:

ClinVar aggregate classification (germline): Uncertain significance (1 of 4 stars; one submission).

Conditions:
Inborn genetic diseases. Identifiers: MedGen C0950123, MeSH D030342.

Allele frequency attached by ClinVar (database versions not stated): gnomAD exomes below 0.00001; gnomAD 0.00001; TOPMed 0.00002.
gnomAD v4.1: 2 of 1,612,706 alleles (0.00012%); highest among the groups gnomAD compares: Non-Finnish European, 0.00017%; no homozygotes.

Submission:

Ambry Genetics
Classification: Uncertain significance for Inborn genetic diseases. Last evaluated: 2018-01-12. Review status: criteria provided, single submitter. Criteria: Ambry Variant Classification Scheme 2023. Collection method: clinical testing. Allele origin: germline.
Comment: The c.5151+5G>C intronic variant results from a G to C substitution 5 nucleotides after coding exon 31 in the VPS13B gene. This nucleotide position is highly conserved in available vertebrate species. Using the BDGP and ESEfinder splice site prediction tools, this alteration is predicted to weaken the efficiency of the native splice donor site; however, direct evidence is unavailable. Since supporting evidence is limited at this time, the clinical significance of this alteration remains unclear.

NM_152564.5(VPS13B):c.5076+5G>C

Gene: VPS13B (vacuolar protein sorting 13 homolog B; plus strand). Cytogenetic location: 8q22.2.
Variant type: single nucleotide variant.
Coding change: c.5076+5G>C on transcript NM_152564.5 (MANE Select); 5 bases into the intron after coding-DNA position 5076, G replaced by C.
Molecular consequence: intron variant.
Genome position (GRCh38, 1-based): chr8:99,575,789, G>C. VCF-style: chr8-99575789-G-C. GRCh37 (hg19) VCF-style: chr8-100588017-G-C.
Other names: c.5151+5G>C (NM_017890.5).
Identifiers: ClinVar variation 1745673 (VCV001745673.2), dbSNP rs202238341, ClinGen allele CA182998672.